The following is an entry in ClinVar:

ClinVar aggregate classification (germline): Pathogenic/Likely pathogenic. Review status: criteria provided, multiple submitters, no conflicts (2 of 4 stars). 2 submissions from 2 submitters: Pathogenic (1); Likely pathogenic (1). Last evaluated 2023-01-13.

Conditions:
Hereditary breast ovarian cancer syndrome. Also called: Breast and ovarian cancer; BRCA1- and BRCA2-Associated Hereditary Breast and Ovarian Cancer; Hereditary breast and ovarian cancer; Hereditary breast and ovarian cancer syndrome (HBOC); Hereditary breast and/or ovarian cancer syndrome; Hereditary breast and ovarian cancer syndrome. Identifiers: Orphanet 145, MedGen C0677776, MeSH D061325, MONDO:0003582. Disease mechanism: loss of function.
Familial cancer of breast. Also called: hereditary breast carcinoma; Hereditary breast cancer; BREAST CANCER, FAMILIAL. Identifiers: Orphanet 227535, MedGen C0346153, MONDO:0016419, OMIM 114480. Disease mechanism: loss of function.

Submissions (2):

Baylor Genetics
Classification: Likely pathogenic for Familial cancer of breast. Last evaluated: 2023-01-13. Review status: criteria provided, single submitter. Criteria: ACMG Guidelines, 2015. Collection method: clinical testing. Allele origin: unknown.

Labcorp Genetics (formerly Invitae), Labcorp
Classification: Pathogenic for Hereditary breast ovarian cancer syndrome. Last evaluated: 2018-07-18. Review status: criteria provided, single submitter. Criteria: Invitae Variant Classification Sherloc (09022015). Collection method: clinical testing. Allele origin: germline.
Comment: This variant is not present in population databases (ExAC no frequency). This variant has not been reported in the literature in individuals with BRCA2-related disease. Loss-of-function variants in BRCA2 are known to be pathogenic (PMID: 20104584). For these reasons, this variant has been classified as Pathogenic. This sequence change creates a premature translational stop signal (p.Asn1473Glnfs*8) in the BRCA2 gene. It is expected to result in an absent or disrupted protein product.

Literature cited by the submitters: PubMed 20104584 (cited by Labcorp Genetics (formerly Invitae), Labcorp).

NM_000059.4(BRCA2):c.4417_4418del (p.Asn1473fs)

Gene: BRCA2 (BRCA2 DNA repair associated; plus strand). Cytogenetic location: 13q13.1.
Variant type: Deletion.
Coding change: c.4417_4418del on transcript NM_000059.4 (MANE Select); coding-DNA positions 4417 to 4418, 2 bases deleted (AA; older notation c.4417_4418delAA).
Protein change: p.Asn1473fs; shifts the reading frame from asparagine 1473.
Molecular consequence: frameshift variant.
Genome position (GRCh38, 1-based): chr13:32,338,772-32,338,773, AA deleted. VCF-style (leftmost placement, unchanged base first): chr13-32338771-GAA-G. GRCh37 (hg19) VCF-style: chr13-32912908-GAA-G.
Other names: c.4417_4418delAA (NM_000059.3); short protein forms N1473fs.
Identifiers: ClinVar variation 650926 (VCV000650926.8), dbSNP rs1593902312, ClinGen allele CA915948464.